The following is an entry in ClinVar:

ClinVar aggregate classification (germline): Uncertain significance (1 of 4 stars; one submission).

Conditions:
GNAS-related disorder. Identifiers: MedGen CN380105.

gnomAD v4.1: 12 of 1,537,558 alleles (0.00078%); highest among the groups gnomAD compares: Admixed American, 0.0039%; no homozygotes.

Submission:

PreventionGenetics, part of Exact Sciences
Classification: Uncertain significance for GNAS-related condition. Last evaluated: 2025-09-24. Review status: criteria provided, single submitter. Criteria: ACMG Guidelines, 2015. Collection method: clinical testing. Allele origin: germline.
Comment: The GNAS c.1357C>A variant is predicted to result in the amino acid substitution p.Pro453Thr. To our knowledge, this variant has not been reported in the literature or in a large population database (gnomAD), indicating this variant is rare. At this time, the clinical significance of this variant is uncertain due to the absence of conclusive functional and genetic evidence.

NM_080425.4(GNAS):c.1357C>A (p.Pro453Thr)

Gene: GNAS (GNAS complex locus; plus strand). Cytogenetic location: 20q13.32.
Variant type: single nucleotide variant.
Coding change: c.1357C>A on transcript NM_080425.4 (MANE Plus Clinical); coding-DNA position 1357, C replaced by A.
Protein change: p.Pro453Thr; replaces proline 453 with threonine.
Molecular consequence: missense variant. On other transcripts: synonymous variant (2), intron variant (3).
Genome position (GRCh38, 1-based): chr20:58,854,622, C>A. VCF-style: chr20-58854622-C-A. GRCh37 (hg19) VCF-style: chr20-57429677-C-A.
Other names: c.1170C>A, p.Ile390= (NM_001077490.3, NM_001309883.1); c.1357C>A, p.Pro453Thr (NM_001410913.1); c.*42+13736C>A (NM_016592.5); c.43+13736C>A (NM_001410912.1); c.-39+12747C>A (NM_001309861.2); short protein forms P453T.
Identifiers: ClinVar variation 4989407 (VCV004989407.1).